The following is an entry in ClinVar:

ClinVar aggregate classification (germline): Conflicting classifications of pathogenicity. Review status: criteria provided, conflicting classifications (1 of 4 stars). 2 submissions from 2 submitters: Uncertain significance (1); Likely benign (1). Last evaluated 2025-11-13.

Allele frequency attached by ClinVar (database versions not stated): ExAC 0.00004; gnomAD exomes 0.00005 and 0.00012; gnomAD 0.00007 and 0.00008; ESP Exome Variant Server 0.00008; TOPMed 0.00011.
gnomAD v4.1: 183 of 1,613,530 alleles (0.011%); highest among the groups gnomAD compares: Non-Finnish European, 0.015%; no homozygotes.

Submissions (2):

Labcorp Genetics (formerly Invitae), Labcorp
Classification: Likely benign. Last evaluated: 2025-11-13. Review status: criteria provided, single submitter. Criteria: Invitae Variant Classification Sherloc (09022015). Collection method: clinical testing. Allele origin: germline.

CeGaT Center for Human Genetics Tuebingen
Classification: Uncertain significance. Last evaluated: 2022-05-01. Review status: criteria provided, single submitter. Criteria: CeGaT Center For Human Genetics Tuebingen Variant Classification Criteria Version 2. Collection method: clinical testing. Allele origin: germline. Affected: yes. Observed: 1 variant allele.
Comment: SLC25A1: PM2, BP4

NM_005984.5(SLC25A1):c.526+7C>T

Gene: SLC25A1 (solute carrier family 25 member 1; minus strand). Cytogenetic location: 22q11.21.
Variant type: single nucleotide variant.
Coding change: c.526+7C>T on transcript NM_005984.5 (MANE Select); 7 bases into the intron after coding-DNA position 526, C replaced by T.
Molecular consequence: intron variant.
Genome position (GRCh38, 1-based): chr22:19,177,113, G>A on the plus strand (C>T on the coding strand, the complement: SLC25A1 is on the minus strand). VCF-style: chr22-19177113-G-A. GRCh37 (hg19) VCF-style: chr22-19164626-G-A.
Other names: c.217+7C>T (NM_001287387.2); c.547+7C>T (NM_001256534.2).
Identifiers: ClinVar variation 1695034 (VCV001695034.34), dbSNP rs377553268, ClinGen allele CA10097418.